The following is an entry in ClinVar:

ClinVar aggregate classification (germline): Likely pathogenic (1 of 4 stars; one submission).

Submission:

GeneDx
Classification: Likely pathogenic. Last evaluated: 2023-03-10. Review status: criteria provided, single submitter. Criteria: GeneDx Variant Classification Process June 2021. Collection method: clinical testing. Allele origin: germline. Affected: yes.
Comment: Not observed at significant frequency in large population cohorts (gnomAD); In silico analysis supports a deleterious effect on protein structure/function; Has not been previously published as pathogenic or benign to our knowledge

NM_000474.4(TWIST1):c.379_380delinsAA (p.Ala127Lys)

Gene: TWIST1 (twist family bHLH transcription factor 1; minus strand). Cytogenetic location: 7p21.1.
Variant type: Indel.
Coding change: c.379_380delinsAA on transcript NM_000474.4 (MANE Select); coding-DNA positions 379 to 380, GC replaced by AA.
Protein change: p.Ala127Lys; replaces alanine 127 with lysine.
Molecular consequence: missense variant. On other transcripts: non-coding transcript variant (1).
Genome position (GRCh38, 1-based): chr7:19,116,942-19,116,943, GC replaced by TT on the plus strand (GC replaced by AA on the coding strand, the reverse complement: TWIST1 is on the minus strand). VCF-style: chr7-19116942-GC-TT. GRCh37 (hg19) VCF-style: chr7-19156565-GC-TT.
Other names: short protein forms A127K.
Identifiers: ClinVar variation 2135988 (VCV002135988.2), dbSNP rs2486049774, ClinGen allele CA2580076908.